The following is an entry in ClinVar:

ClinVar aggregate classification (germline): Uncertain significance (1 of 4 stars; one submission).

Conditions:
CRYBB1-related disorder. Also called: CRYBB1-related condition.

Submission:

PreventionGenetics, part of Exact Sciences
Classification: Uncertain significance for CRYBB1-related condition. Last evaluated: 2025-04-23. Review status: criteria provided, single submitter. Criteria: ACMG Guidelines, 2015. Collection method: clinical testing. Allele origin: germline.
Comment: The CRYBB1 c.51dupA variant is predicted to result in a frameshift and premature protein termination (p.Gly18Argfs*3). To our knowledge, this variant has not been reported in the literature. This variant falls within exon 2 and only one other frameshift variant has been described downstream in this exon (Cohen et al. 2007. PubMed ID: 17460281). This variant is reported in 0.0029% of alleles in individuals of Latino descent in gnomAD. Loss of function variants in CRYBB1 have not been well documented in the literature. Although we suspect that this variant may be pathogenic, at this time, the clinical significance of this variant is uncertain due to the absence of conclusive functional and genetic evidence.

NM_001887.4(CRYBB1):c.51dup (p.Gly18fs)

Genes: CRYBA4 (crystallin beta A4; plus strand), CRYBB1 (crystallin beta B1; minus strand). Cytogenetic location: 22q12.1.
Variant type: Duplication.
Coding change: c.51dup on transcript NM_001887.4 (MANE Select); coding-DNA position 51, one base duplicated (A; older notation c.51dupA).
Protein change: p.Gly18fs; shifts the reading frame from glycine 18.
Molecular consequence: frameshift variant.
Genome position (GRCh38, 1-based): chr22:26,616,269, T duplicated on the plus strand (A on the coding strand, the reverse complement: CRYBB1 is on the minus strand). VCF-style (leftmost placement, unchanged base first): chr22-26616268-C-CT. GRCh37 (hg19) VCF-style: chr22-27012232-C-CT.
Other names: short protein forms G18fs.
Identifiers: ClinVar variation 4997236 (VCV004997236.1).